The following is an entry in ClinVar:

ClinVar aggregate classification (germline): Likely pathogenic (1 of 4 stars; one submission).

Conditions:
Silver-russell syndrome 4. Identifiers: MedGen C5394450, MONDO:0030118, OMIM 618907.

Submission:

3billion
Classification: Likely pathogenic for Silver-russell syndrome 4. Last evaluated: 2022-05-22. Review status: criteria provided, single submitter. Criteria: ACMG Guidelines, 2015. Collection method: clinical testing. Allele origin: germline. Affected: yes. Observed: 1 heterozygote.
Comment: The deletion creates a frameshift variant within 50 bp downstream of the penultimate exon or last exon. While it is expected to escape nonsense-mediated mRNA decay, the truncated region is considered critical because most of the pathogenic variants previously reported have been found in this region. It is absent from the gnomAD v2.1.1 dataset (PM2_M). Therefore, this variant is classified as likely pathogenic according to the recommendation of ACMG/AMP guideline.

NM_002655.3(PLAG1):c.441_489del (p.Ser147fs)

Genes: PLAG1 (PLAG1 zinc finger; minus strand), LOC126860395 (BRD4-independent group 4 enhancer GRCh37_chr8:57079228-57080427; plus strand). Cytogenetic location: 8q12.1.
Variant type: Deletion.
Coding change: c.441_489del on transcript NM_002655.3 (MANE Select); coding-DNA positions 441 to 489, 49 bases deleted.
Protein change: p.Ser147fs; shifts the reading frame from serine 147.
Molecular consequence: frameshift variant.
Genome position (GRCh38, 1-based): chr8:56,167,257-56,167,305, 49 bases deleted. GRCh37 (hg19): chr8:57,079,816-57,079,864.
Other names: c.441_489del, p.Ser147fs (NM_001114634.2); c.195_243del, p.Ser65fs (NM_001114635.2); short protein forms S147fs, S65fs.
Identifiers: ClinVar variation 1687610 (VCV001687610.1), dbSNP rs2129224609, ClinGen allele CA2573143319.